The following is an entry in ClinVar:

NM_000525.4(KCNJ11):c.1113C>T (p.Arg371=)

Gene: KCNJ11 (potassium inwardly rectifying channel subfamily J member 11; minus strand). Cytogenetic location: 11p15.1.
Variant type: single nucleotide variant.
Coding change: c.1113C>T on transcript NM_000525.4 (MANE Select); coding-DNA position 1113, C replaced by T.
Protein change: p.Arg371=; no amino-acid change (arginine 371 retained).
Molecular consequence: synonymous variant.
Genome position (GRCh38, 1-based): chr11:17,386,979, G>A on the plus strand (C>T on the coding strand, the complement: KCNJ11 is on the minus strand). VCF-style: chr11-17386979-G-A. GRCh37 (hg19) VCF-style: chr11-17408526-G-A.
Other names: c.852C>T, p.Arg284= (NM_001166290.2, NM_001377296.1, NM_001377297.1).
Identifiers: ClinVar variation 3651648 (VCV003651648.2).

ClinVar aggregate classification (germline): Uncertain significance (1 of 4 stars; one submission).

Submission:

Labcorp Genetics (formerly Invitae), Labcorp
Classification: Uncertain significance. Last evaluated: 2024-05-24. Review status: criteria provided, single submitter. Criteria: Invitae Variant Classification Sherloc (09022015). Collection method: clinical testing. Allele origin: germline.
Comment: This sequence change affects codon 371 of the KCNJ11 mRNA. It is a 'silent' change, meaning that it does not change the encoded amino acid sequence of the KCNJ11 protein. This variant is not present in population databases (gnomAD no frequency). This variant has not been reported in the literature in individuals affected with KCNJ11-related conditions. In summary, the available evidence is currently insufficient to determine the role of this variant in disease. Therefore, it has been classified as a Variant of Uncertain Significance.